The following is an entry in ClinVar:

NM_001204.7(BMPR2):c.2935T>C (p.Tyr979His)

Gene: BMPR2 (bone morphogenetic protein receptor type 2; plus strand). Cytogenetic location: 2q33.2.
Variant type: single nucleotide variant.
Coding change: c.2935T>C on transcript NM_001204.7 (MANE Select); coding-DNA position 2935, T replaced by C.
Protein change: p.Tyr979His; replaces tyrosine 979 with histidine.
Molecular consequence: missense variant.
Genome position (GRCh38, 1-based): chr2:202,559,764, T>C. VCF-style: chr2-202559764-T-C. GRCh37 (hg19) VCF-style: chr2-203424487-T-C.
Other names: short protein forms Y979H.
Identifiers: ClinVar variation 5033091 (VCV005033091.1).
Genomic context (GRCh38, chr2:202,559,764, plus strand): 5'-TCAACACAAGATGGCAAATCAGGATCAGGTGAAAAGATCAAGAAACGTGTGAAAACTCCC[T>C]ATTCTCTTAAGCGGTGGCGCCCCTCCACCTGGGTCATCTCCACTGAATCGCTGGACTGTG-3'
Protein context (NP_001195.2, residues 969-989): EKIKKRVKTP[Tyr979His]SLKRWRPSTW

ClinVar aggregate classification (germline): Uncertain significance (1 of 4 stars; one submission).

Conditions:
Inborn genetic diseases. Identifiers: MedGen C0950123, MeSH D030342.

Submission:

Ambry Genetics
Classification: Uncertain significance for Inborn genetic diseases. Last evaluated: 2026-07-13. Review status: criteria provided, single submitter. Criteria: Ambry Variant Classification Scheme 2023. Collection method: clinical testing. Allele origin: germline.
Comment: The p.Y979H variant (also known as c.2935T>C), located in coding exon 13 of the BMPR2 gene, results from a T to C substitution at nucleotide position 2935. The tyrosine at codon 979 is replaced by histidine, an amino acid with similar properties. This amino acid position is conserved. In addition, this alteration is predicted to be deleterious by in silico analysis. Based on the available evidence, the clinical significance of this variant remains unclear.